The following is an entry in ClinVar:

ClinVar aggregate classification (germline): Pathogenic (1 of 4 stars; one submission).

Submission:

Labcorp Genetics (formerly Invitae), Labcorp
Classification: Pathogenic. Last evaluated: 2021-10-01. Review status: criteria provided, single submitter. Criteria: Invitae Variant Classification Sherloc (09022015). Collection method: clinical testing. Allele origin: germline.
Comment: This sequence change creates a premature translational stop signal (p.Lys296Serfs*15) in the FH gene. It is expected to result in an absent or disrupted protein product. Loss-of-function variants in FH are known to be pathogenic (PMID: 11865300, 21398687). This variant is not present in population databases (ExAC no frequency). This variant has not been reported in the literature in individuals affected with FH-related conditions. For these reasons, this variant has been classified as Pathogenic.

Literature cited by the submitters: PubMed 11865300; PubMed 21398687.

NM_000143.4(FH):c.887_888del (p.Lys296fs)

Gene: FH (fumarate hydratase; minus strand). Cytogenetic location: 1q43.
Variant type: Deletion.
Coding change: c.887_888del on transcript NM_000143.4 (MANE Select); coding-DNA positions 887 to 888, 2 bases deleted (AA; older notation c.887_888delAA).
Protein change: p.Lys296fs; shifts the reading frame from lysine 296.
Molecular consequence: frameshift variant.
Genome position (GRCh38, 1-based): chr1:241,506,019-241,506,020, TT deleted on the plus strand (AA on the coding strand, the reverse complement: FH is on the minus strand); deleting any 2 consecutive bases within chr1:241,506,019-241,506,022 gives the same sequence; the c. name uses the placement nearest the transcript's 3' end. VCF-style (leftmost placement, unchanged base first): chr1-241506018-CTT-C. GRCh37 (hg19) VCF-style: chr1-241669318-CTT-C.
Other names: short protein forms K296fs.
Identifiers: ClinVar variation 1387287 (VCV001387287.6), dbSNP rs2147917520, ClinGen allele CA2573132931.
Genomic context (GRCh38, chr1:241,506,018, plus strand): 5'-TATAATGAGAAATGAAAATGAGAAATAATTCACGTGATCACTAACCTGTAAGTGCAGCCA[CTT>C]TTGCAGCAACCTTTTCTGCAAAGCCAATTCTAGTATTTAAACCTGTACCAACAGCAGTGC-3'